The following is an entry in ClinVar:

NM_031407.7(HUWE1):c.1987G>A (p.Val663Ile)

Gene: HUWE1 (HECT, UBA and WWE domain containing E3 ubiquitin protein ligase 1; minus strand). Cytogenetic location: Xp11.22.
Variant type: single nucleotide variant.
Coding change: c.1987G>A on transcript NM_031407.7 (MANE Select); coding-DNA position 1987, G replaced by A.
Protein change: p.Val663Ile; replaces valine 663 with isoleucine.
Molecular consequence: missense variant.
Genome position (GRCh38, 1-based): chrX:53,615,806, C>T on the plus strand (G>A on the coding strand, the complement: HUWE1 is on the minus strand). VCF-style: chrX-53615806-C-T. GRCh37 (hg19) VCF-style: chrX-53642767-C-T.
Other names: c.1987G>A, p.Val663Ile (NM_001441054.1, NM_001441056.1, NM_001441057.1 and 6 more transcripts); c.2008G>A, p.Val670Ile (NM_001441055.1, NM_001441050.1); short protein forms V663I, V670I.
Identifiers: ClinVar variation 4686153 (VCV004686153.1).

ClinVar aggregate classification (germline): Likely pathogenic (1 of 4 stars; one submission).

Submission:

GeneDx
Classification: Likely pathogenic. Last evaluated: 2025-07-17. Review status: criteria provided, single submitter. Criteria: GeneDx Variant Classification Process June 2021. Collection method: clinical testing. Allele origin: germline. Affected: yes.
Comment: Not observed at significant frequency in large population cohorts (gnomAD); In silico analysis suggests that this missense variant does not alter protein structure/function; Has not been previously published as pathogenic or benign to our knowledge